The following is an entry in ClinVar:

NM_006231.4(POLE):c.847C>G (p.Leu283Val)

Gene: POLE (DNA polymerase epsilon, catalytic subunit; minus strand). Cytogenetic location: 12q24.33.
Variant type: single nucleotide variant.
Coding change: c.847C>G on transcript NM_006231.4 (MANE Select); coding-DNA position 847, C replaced by G.
Protein change: p.Leu283Val; replaces leucine 283 with valine.
Molecular consequence: missense variant.
Genome position (GRCh38, 1-based): chr12:132,676,608, G>C on the plus strand (C>G on the coding strand, the complement: POLE is on the minus strand). VCF-style: chr12-132676608-G-C. GRCh37 (hg19) VCF-style: chr12-133253194-G-C.
Other names: short protein forms L283V.
Identifiers: ClinVar variation 3781543 (VCV003781543.1).

ClinVar aggregate classification (germline): Uncertain significance (1 of 4 stars; one submission).

Conditions:
Hereditary cancer-predisposing syndrome. Also called: Neoplastic Syndromes, Hereditary; Hereditary Cancer Syndrome; Tumor predisposition; Hereditary neoplastic syndrome. Identifiers: Orphanet 140162, MedGen C0027672, MeSH D009386, MONDO:0015356.

Submission:

Ambry Genetics
Classification: Uncertain significance for Hereditary cancer-predisposing syndrome. Last evaluated: 2024-12-29. Review status: criteria provided, single submitter. Criteria: Ambry Variant Classification Scheme 2023. Collection method: clinical testing. Allele origin: germline.
Comment: The p.L283V variant (also known as c.847C>G), located in coding exon 9 of the POLE gene, results from a C to G substitution at nucleotide position 847. The leucine at codon 283 is replaced by valine, an amino acid with highly similar properties. This amino acid position is conserved. In addition, the in silico prediction for this alteration is inconclusive. Based on the available evidence, the clinical significance of this variant remains unclear.